The following is an entry in ClinVar:

ClinVar aggregate classification (germline): Uncertain significance (1 of 4 stars; one submission).

Allele frequency attached by ClinVar (database versions not stated): gnomAD exomes 0.00012; TOPMed 0.00015; 1000 Genomes Project 0.00020; ESP Exome Variant Server 0.00023; gnomAD 0.00023; ExAC 0.00026; 1000 Genomes Project 30x 0.00031.
gnomAD v4.1: 224 of 1,614,150 alleles (0.014%); highest among the groups gnomAD compares: Middle Eastern, 0.23%; no homozygotes.

Submission:

Labcorp Genetics (formerly Invitae), Labcorp
Classification: Uncertain significance. Last evaluated: 2025-09-15. Review status: criteria provided, single submitter. Criteria: Invitae Variant Classification Sherloc (09022015). Collection method: clinical testing. Allele origin: germline.
Comment: This sequence change replaces arginine, which is basic and polar, with cysteine, which is neutral and slightly polar, at codon 315 of the KLHL3 protein (p.Arg315Cys). This variant is present in population databases (rs139964597, gnomAD 0.04%). This variant has not been reported in the literature in individuals affected with KLHL3-related conditions. ClinVar contains an entry for this variant (Variation ID: 2147691). Invitae Evidence Modeling of protein sequence and biophysical properties (such as structural, functional, and spatial information, amino acid conservation, physicochemical variation, residue mobility, and thermodynamic stability) indicates that this missense variant is not expected to disrupt KLHL3 protein function with a negative predictive value of 80%. In summary, the available evidence is currently insufficient to determine the role of this variant in disease. Therefore, it has been classified as a Variant of Uncertain Significance.

NM_017415.3(KLHL3):c.943C>T (p.Arg315Cys)

Gene: KLHL3 (kelch like family member 3; minus strand). Cytogenetic location: 5q31.2.
Variant type: single nucleotide variant.
Coding change: c.943C>T on transcript NM_017415.3 (MANE Select); coding-DNA position 943, C replaced by T.
Protein change: p.Arg315Cys; replaces arginine 315 with cysteine.
Molecular consequence: missense variant.
Genome position (GRCh38, 1-based): chr5:137,639,938, G>A on the plus strand (C>T on the coding strand, the complement: KLHL3 is on the minus strand). VCF-style: chr5-137639938-G-A. GRCh37 (hg19) VCF-style: chr5-136975627-G-A.
Other names: c.847C>T, p.Arg283Cys (NM_001257194.1); c.697C>T, p.Arg233Cys (NM_001257195.2); short protein forms R315C, R233C, R283C.
Identifiers: ClinVar variation 2147691 (VCV002147691.4), dbSNP rs139964597, ClinGen allele CA3422333.